The following is an entry in ClinVar:

NM_000477.7(ALB):c.1011G>T (p.Lys337Asn)

Gene: ALB (albumin; plus strand). Cytogenetic location: 4q13.3.
Variant type: single nucleotide variant.
Coding change: c.1011G>T on transcript NM_000477.7 (MANE Select); coding-DNA position 1011, G replaced by T.
Protein change: p.Lys337Asn; replaces lysine 337 with asparagine.
Molecular consequence: missense variant.
Genome position (GRCh38, 1-based): chr4:73,413,587, G>T. VCF-style: chr4-73413587-G-T. GRCh37 (hg19) VCF-style: chr4-74279304-G-T.
Other names: K313N; albumin New Guinea; short protein forms K337N.
Identifiers: ClinVar variation 18192 (VCV000018192.5), dbSNP rs72552710, ClinGen allele CA127892.
Genomic context (GRCh38, chr4:73,413,587, plus strand): 5'-GGAAAATGATGAGATGCCTGCTGACTTGCCTTCATTAGCTGCTGATTTTGTTGAAAGTAA[G>T]GATGTTTGCAAAAACTATGCTGAGGCAAAGGATGTCTTCCTGGGCATGTAAGTAGATAAG-3'
Protein context (NP_000468.1, residues 327-347): PSLAADFVES[Lys337Asn]DVCKNYAEAK

ClinVar aggregate classification (germline): Uncertain significance. Review status: criteria provided, single submitter (1 of 4 stars). 2 submissions from 2 submitters: Uncertain significance (1). 1 of the submissions does not count toward it. Last evaluated 2017-12-06.

Conditions:
Hyperthyroxinemia, familial dysalbuminemic (FDAH). Also called: EUTHYROID HYPERTHYROXINEMIA 1. Identifiers: MedGen C0342185, MONDO:0014448, OMIM 615999.
ALBUMIN TAGLIACOZZO.

Allele frequency attached by ClinVar (database versions not stated): gnomAD exomes 0.00008 and 0.00009; gnomAD 0.00011; TOPMed 0.00011; ExAC 0.00013.
gnomAD v4.1: 138 of 1,614,024 alleles (0.0086%); highest among the groups gnomAD compares: Non-Finnish European, 0.01%; no homozygotes.

Submissions (2):

Illumina Laboratory Services, Illumina
Classification: Uncertain significance for Hyperthyroxinemia, familial dysalbuminemic. Last evaluated: 2017-12-06. Review status: criteria provided, single submitter. Criteria: ICSL Variant Classification Criteria 13 December 2019. Collection method: clinical testing. Allele origin: germline.
Comment: This variant was observed as part of a predisposition screen in an ostensibly healthy population. A literature search was performed for the gene, cDNA change, and amino acid change (where applicable). Publications were found based on this search. However, the evidence from the literature, in combination with allele frequency data from public databases where available, was not sufficient to rule this variant in or out of causing disease. Therefore, this variant is classified as a variant of unknown significance.

OMIM
Classification: other for ALBUMIN TAGLIACOZZO. Last evaluated: 2012-06-06. Review status: no assertion criteria provided. Collection method: literature only. Allele origin: germline. Not counted in ClinVar's aggregate classification.

Literature cited by the submitters: PubMed 29133890 (cited by Illumina Laboratory Services, Illumina); PubMed 19336879 (cited by Illumina Laboratory Services, Illumina); PubMed 18029235 (cited by Illumina Laboratory Services, Illumina); PubMed 2304452 (cited by Illumina Laboratory Services, Illumina); PubMed 2226433 (cited by Illumina Laboratory Services, Illumina); PubMed 3479777 (cited by Illumina Laboratory Services, Illumina); PubMed 15251607 (cited by Illumina Laboratory Services, Illumina); PubMed 8022807 (cited by Illumina Laboratory Services, Illumina); PubMed 3338164 (cited by Illumina Laboratory Services, Illumina); PubMed 2247440 (cited by Illumina Laboratory Services, Illumina and OMIM); PubMed 3780972 (cited by Illumina Laboratory Services, Illumina); PubMed 2901102 (cited by OMIM).